The following is an entry in ClinVar:

ClinVar aggregate classification (germline): Uncertain significance (1 of 4 stars; one submission).

Conditions:
Intellectual disability, autosomal recessive 53 (NEDHSCA). Also called: GLYCOSYLPHOSPHATIDYLINOSITOL BIOSYNTHESIS DEFECT 13; Mental retardation, autosomal recessive 53; NEURODEVELOPMENTAL DISORDER WITH OR WITHOUT HYPOTONIA, SEIZURES, AND CEREBELLAR ATROPHY. Identifiers: Orphanet 488635, MedGen C4310794, MONDO:0014832, OMIM 616917.

Allele frequency attached by ClinVar (database versions not stated): gnomAD exomes below 0.00001 and 0.00001.
gnomAD v4.1: 2 of 1,611,772 alleles (0.00012%); highest among the groups gnomAD compares: Non-Finnish European, 0.00017%; no homozygotes.

Submission:

Labcorp Genetics (formerly Invitae), Labcorp
Classification: Uncertain significance for Intellectual disability, autosomal recessive 53. Last evaluated: 2022-02-04. Review status: criteria provided, single submitter. Criteria: Invitae Variant Classification Sherloc (09022015). Collection method: clinical testing. Allele origin: germline.
Comment: This sequence change replaces isoleucine, which is neutral and non-polar, with arginine, which is basic and polar, at codon 661 of the PIGG protein (p.Ile661Arg). This variant is present in population databases (no rsID available, gnomAD 0.003%). This variant has not been reported in the literature in individuals affected with PIGG-related conditions. ClinVar contains an entry for this variant (Variation ID: 1017907). Algorithms developed to predict the effect of missense changes on protein structure and function are either unavailable or do not agree on the potential impact of this missense change (SIFT: "Deleterious"; PolyPhen-2: "Benign"; Align-GVGD: "Class C0"). In summary, the available evidence is currently insufficient to determine the role of this variant in disease. Therefore, it has been classified as a Variant of Uncertain Significance.

NM_001127178.3(PIGG):c.1982T>G (p.Ile661Arg)

Gene: PIGG (phosphatidylinositol glycan anchor biosynthesis class G (EMM blood group); plus strand). Cytogenetic location: 4p16.3.
Variant type: single nucleotide variant.
Coding change: c.1982T>G on transcript NM_001127178.3 (MANE Select); coding-DNA position 1982, T replaced by G.
Protein change: p.Ile661Arg; replaces isoleucine 661 with arginine.
Molecular consequence: missense variant. On other transcripts: non-coding transcript variant (6).
Genome position (GRCh38, 1-based): chr4:523,826, T>G. VCF-style: chr4-523826-T-G. GRCh37 (hg19) VCF-style: chr4-517615-T-G.
Other names: c.1715T>G, p.Ile572Arg (NM_001289051.2, NM_001345986.2); c.1583T>G, p.Ile528Arg (NM_001289052.2); c.1691T>G, p.Ile564Arg (NM_001345987.2); c.953T>G, p.Ile318Arg (NM_001345988.2); c.449T>G, p.Ile150Arg (NM_001345990.2, NM_001345991.2); c.884T>G, p.Ile295Arg (NM_001345994.2); c.1958T>G, p.Ile653Arg (NM_017733.5); short protein forms I150R, I295R, I318R, I528R, I564R, I572R, I653R, I661R.
Identifiers: ClinVar variation 1017907 (VCV001017907.12), dbSNP rs1354527981, ClinGen allele CA355907875.